The following is an entry in ClinVar:

ClinVar aggregate classification (germline): Uncertain significance. Review status: criteria provided, multiple submitters, no conflicts (2 of 4 stars). 2 submissions from 2 submitters: Uncertain significance (2). Last evaluated 2024-08-20.

Conditions:
Inborn genetic diseases. Identifiers: MedGen C0950123, MeSH D030342.

Allele frequency attached by ClinVar (database versions not stated): ExAC 0.00008; ESP Exome Variant Server 0.00008; gnomAD exomes 0.00008; gnomAD 0.00011; TOPMed 0.00015.
gnomAD v4.1: 131 of 1,611,218 alleles (0.0081%); highest among the groups gnomAD compares: Admixed American, 0.018%; no homozygotes.

Submissions (2):

Ambry Genetics
Classification: Uncertain significance for Inborn genetic diseases. Last evaluated: 2024-08-20. Review status: criteria provided, single submitter. Criteria: Ambry Variant Classification Scheme 2023. Collection method: clinical testing. Allele origin: germline.

Labcorp Genetics (formerly Invitae), Labcorp
Classification: Uncertain significance. Last evaluated: 2022-08-23. Review status: criteria provided, single submitter. Criteria: Invitae Variant Classification Sherloc (09022015). Collection method: clinical testing. Allele origin: germline.
Comment: This sequence change replaces valine, which is neutral and non-polar, with alanine, which is neutral and non-polar, at codon 287 of the FERMT1 protein (p.Val287Ala). This variant is present in population databases (rs377633165, gnomAD 0.02%). This variant has not been reported in the literature in individuals affected with FERMT1-related conditions. ClinVar contains an entry for this variant (Variation ID: 1402491). Algorithms developed to predict the effect of missense changes on protein structure and function (SIFT, PolyPhen-2, Align-GVGD) all suggest that this variant is likely to be disruptive. In summary, the available evidence is currently insufficient to determine the role of this variant in disease. Therefore, it has been classified as a Variant of Uncertain Significance.

NM_017671.5(FERMT1):c.860T>C (p.Val287Ala)

Gene: FERMT1 (FERM domain containing kindlin 1; minus strand). Cytogenetic location: 20p12.3.
Variant type: single nucleotide variant.
Coding change: c.860T>C on transcript NM_017671.5 (MANE Select); coding-DNA position 860, T replaced by C.
Protein change: p.Val287Ala; replaces valine 287 with alanine.
Molecular consequence: missense variant.
Genome position (GRCh38, 1-based): chr20:6,097,621, A>G on the plus strand (T>C on the coding strand, the complement: FERMT1 is on the minus strand). VCF-style: chr20-6097621-A-G. GRCh37 (hg19) VCF-style: chr20-6078268-A-G.
Other names: c.860T>C (NM_017671.4); short protein forms V287A.
Identifiers: ClinVar variation 1402491 (VCV001402491.5), dbSNP rs377633165, ClinGen allele CA9758323.
Genomic context (GRCh38, chr20:6,097,621, plus strand): 5'-CAATCAATTTCTTCTAAGAGAATGGCCCACCTGGCTTGCTCATAGAGTTGGTTTATTCGG[A>G]CAGCATCATACTAGAGACAAAAACAGAGGTGTGTGTGTAATGAGGTATATTTATATCCCA-3'
Protein context (NP_060141.3, residues 277-297): FFDLNPKYDA[Val287Ala]RINQLYEQAR